The following is an entry in ClinVar:

NM_005629.4(SLC6A8):c.1624T>C (p.Tyr542His)

Gene: SLC6A8 (solute carrier family 6 member 8; plus strand). Cytogenetic location: Xq28.
Variant type: single nucleotide variant.
Coding change: c.1624T>C on transcript NM_005629.4 (MANE Select); coding-DNA position 1624, T replaced by C.
Protein change: p.Tyr542His; replaces tyrosine 542 with histidine.
Molecular consequence: missense variant.
Genome position (GRCh38, 1-based): chrX:153,694,746, T>C. VCF-style: chrX-153694746-T-C. GRCh37 (hg19) VCF-style: chrX-152960201-T-C.
Other names: c.1594T>C, p.Tyr532His (NM_001142805.2); c.1279T>C, p.Tyr427His (NM_001142806.1); short protein forms Y427H, Y532H, Y542H.
Identifiers: ClinVar variation 1062276 (VCV001062276.6), dbSNP rs2148364687, ClinGen allele CA415090642.

ClinVar aggregate classification (germline): Uncertain significance (1 of 4 stars; one submission).

Conditions:
Creatine transporter deficiency (CCDS1). Also called: CEREBRAL CREATINE DEFICIENCY SYNDROME 1; Mental retardation , X-linked with seizures, short stature and midface hypoplasia; Mental retardation , X-linked, with creatine transport deficiency; X-linked creatine transporter deficiency; X-linked creatine deficiency syndrome; SLC6A8-Related Creatine Transporter Deficiency. Identifiers: Orphanet 52503, MedGen C1845862, MONDO:0010305, OMIM 300352.

Submission:

Labcorp Genetics (formerly Invitae), Labcorp
Classification: Uncertain significance for Creatine transporter deficiency. Last evaluated: 2021-08-28. Review status: criteria provided, single submitter. Criteria: Invitae Variant Classification Sherloc (09022015). Collection method: clinical testing. Allele origin: germline.
Comment: This sequence change replaces tyrosine with histidine at codon 542 of the SLC6A8 protein (p.Tyr542His). The tyrosine residue is highly conserved and there is a moderate physicochemical difference between tyrosine and histidine. This variant is not present in population databases (ExAC no frequency). This variant has not been reported in the literature in individuals affected with SLC6A8-related conditions. Algorithms developed to predict the effect of missense changes on protein structure and function output the following: SIFT: "Deleterious"; PolyPhen-2: "Benign"; Align-GVGD: "Class C0". The histidine amino acid residue is found in multiple mammalian species, which suggests that this missense change does not adversely affect protein function. In summary, the available evidence is currently insufficient to determine the role of this variant in disease. Therefore, it has been classified as a Variant of Uncertain Significance.